The following is an entry in ClinVar:

ClinVar aggregate classification (germline): Uncertain significance (1 of 4 stars; one submission).

Submission:

Labcorp Genetics (formerly Invitae), Labcorp
Classification: Uncertain significance. Last evaluated: 2021-06-08. Review status: criteria provided, single submitter. Criteria: Invitae Variant Classification Sherloc (09022015). Collection method: clinical testing. Allele origin: germline.
Comment: This sequence change replaces serine with phenylalanine at codon 1327 of the COL7A1 protein (p.Ser1327Phe). The serine residue is weakly conserved and there is a large physicochemical difference between serine and phenylalanine. This variant is not present in population databases (ExAC no frequency). This variant has not been reported in the literature in individuals with COL7A1-related conditions. Algorithms developed to predict the effect of missense changes on protein structure and function are either unavailable or do not agree on the potential impact of this missense change (SIFT: "Tolerated"; PolyPhen-2: "Not Available"; Align-GVGD: "Class C0"). In summary, the available evidence is currently insufficient to determine the role of this variant in disease. Therefore, it has been classified as a Variant of Uncertain Significance.

NM_000094.4(COL7A1):c.3980C>T (p.Ser1327Phe)

Gene: COL7A1 (collagen type VII alpha 1 chain; minus strand). Cytogenetic location: 3p21.31.
Variant type: single nucleotide variant.
Coding change: c.3980C>T on transcript NM_000094.4 (MANE Select); coding-DNA position 3980, C replaced by T.
Protein change: p.Ser1327Phe; replaces serine 1327 with phenylalanine.
Molecular consequence: missense variant.
Genome position (GRCh38, 1-based): chr3:48,584,941, G>A on the plus strand (C>T on the coding strand, the complement: COL7A1 is on the minus strand). VCF-style: chr3-48584941-G-A. GRCh37 (hg19) VCF-style: chr3-48622374-G-A.
Other names: short protein forms S1327F.
Identifiers: ClinVar variation 1954336 (VCV001954336.2), dbSNP rs2531179679, ClinGen allele CA352697345.